The following is an entry in ClinVar:

ClinVar aggregate classification (germline): Uncertain significance (1 of 4 stars; one submission).

Submission:

Labcorp Genetics (formerly Invitae), Labcorp
Classification: Uncertain significance. Last evaluated: 2024-07-30. Review status: criteria provided, single submitter. Criteria: Invitae Variant Classification Sherloc (09022015). Collection method: clinical testing. Allele origin: germline.
Comment: This sequence change replaces valine, which is neutral and non-polar, with phenylalanine, which is neutral and non-polar, at codon 190 of the TRRAP protein (p.Val190Phe). This variant is not present in population databases (gnomAD no frequency). This variant has not been reported in the literature in individuals affected with TRRAP-related conditions. Advanced modeling of protein sequence and biophysical properties (such as structural, functional, and spatial information, amino acid conservation, physicochemical variation, residue mobility, and thermodynamic stability) performed at Invitae indicates that this missense variant is not expected to disrupt TRRAP protein function with a negative predictive value of 80%. In summary, the available evidence is currently insufficient to determine the role of this variant in disease. Therefore, it has been classified as a Variant of Uncertain Significance.

NM_001375524.1(TRRAP):c.568G>T (p.Val190Phe)

Gene: TRRAP (transformation/transcription domain associated protein; plus strand). Cytogenetic location: 7q22.1.
Variant type: single nucleotide variant.
Coding change: c.568G>T on transcript NM_001375524.1 (MANE Select); coding-DNA position 568, G replaced by T.
Protein change: p.Val190Phe; replaces valine 190 with phenylalanine.
Molecular consequence: missense variant.
Genome position (GRCh38, 1-based): chr7:98,897,801, G>T. VCF-style: chr7-98897801-G-T. GRCh37 (hg19) VCF-style: chr7-98495424-G-T.
Other names: c.568G>T, p.Val190Phe (NM_001244580.2, NM_003496.4); short protein forms V190F.
Identifiers: ClinVar variation 3660865 (VCV003660865.2).